The following is an entry in ClinVar:

NM_004655.4(AXIN2):c.1908-5T>C

Gene: AXIN2 (axin 2; minus strand). Cytogenetic location: 17q24.1.
Variant type: single nucleotide variant.
Coding change: c.1908-5T>C on transcript NM_004655.4 (MANE Select); 5 bases into the intron before coding-DNA position 1908, T replaced by C.
Molecular consequence: intron variant.
Genome position (GRCh38, 1-based): chr17:65,536,558, A>G on the plus strand (T>C on the coding strand, the complement: AXIN2 is on the minus strand). VCF-style: chr17-65536558-A-G. GRCh37 (hg19) VCF-style: chr17-63532676-A-G.
Other names: c.1713-5T>C (NM_001363813.1).
Identifiers: ClinVar variation 1782424 (VCV001782424.2), dbSNP rs2509403923, ClinGen allele CA2580094681.

ClinVar aggregate classification (germline): Uncertain significance (1 of 4 stars; one submission).

Conditions:
Hereditary cancer-predisposing syndrome. Also called: Neoplastic Syndromes, Hereditary; Tumor predisposition; Hereditary Cancer Syndrome; Hereditary neoplastic syndrome. Identifiers: Orphanet 140162, MedGen C0027672, MeSH D009386, MONDO:0015356.

Submission:

Ambry Genetics
Classification: Uncertain significance for Hereditary cancer-predisposing syndrome. Last evaluated: 2021-10-13. Review status: criteria provided, single submitter. Criteria: Ambry Variant Classification Scheme 2023. Collection method: clinical testing. Allele origin: germline.
Comment: The c.1908-5T>C intronic variant results from a T to C substitution 5 nucleotides upstream from coding exon 7 in the AXIN2 gene. This nucleotide position is not well conserved in available vertebrate species. In silico splice site analysis predicts that this alteration will not have any significant effect on splicing. Since supporting evidence is limited at this time, the clinical significance of this alteration remains unclear.